The following is an entry in ClinVar:

NM_152564.5(VPS13B):c.5883G>A (p.Gly1961=)

Gene: VPS13B (vacuolar protein sorting 13 homolog B; plus strand). Cytogenetic location: 8q22.2.
Variant type: single nucleotide variant.
Coding change: c.5883G>A on transcript NM_152564.5 (MANE Select); coding-DNA position 5883, G replaced by A.
Protein change: p.Gly1961=; no amino-acid change (glycine 1961 retained).
Molecular consequence: synonymous variant.
Genome position (GRCh38, 1-based): chr8:99,642,473, G>A. VCF-style: chr8-99642473-G-A. GRCh37 (hg19) VCF-style: chr8-100654701-G-A.
Other names: c.5958G>A, p.Gly1986= (NM_017890.5).
Identifiers: ClinVar variation 3345197 (VCV003345197.1).

ClinVar aggregate classification (germline): Likely benign (0 of 4 stars; one submission).

Conditions:
VPS13B-related disorder. Also called: VPS13B-related condition.

Submission:

PreventionGenetics, part of Exact Sciences
Classification: Likely benign for VPS13B-related condition. Last evaluated: 2024-09-04. Review status: no assertion criteria provided. Collection method: clinical testing. Allele origin: germline.
Comment: This variant is classified as likely benign based on ACMG/AMP sequence variant interpretation guidelines (Richards et al. 2015 PMID: 25741868, with internal and published modifications).